The following is an entry in ClinVar:

NM_053025.4(MYLK):c.1670C>T (p.Ala557Val)

Gene: MYLK (myosin light chain kinase; minus strand). Cytogenetic location: 3q21.1.
Variant type: single nucleotide variant.
Coding change: c.1670C>T on transcript NM_053025.4 (MANE Select); coding-DNA position 1670, C replaced by T.
Protein change: p.Ala557Val; replaces alanine 557 with valine.
Molecular consequence: missense variant.
Genome position (GRCh38, 1-based): chr3:123,722,262, G>A on the plus strand (C>T on the coding strand, the complement: MYLK is on the minus strand). VCF-style: chr3-123722262-G-A. GRCh37 (hg19) VCF-style: chr3-123441109-G-A.
Other names: c.1142C>T, p.Ala381Val (NM_001321309.2); c.1463C>T, p.Ala488Val (NM_053026.4, NM_053028.4); c.1670C>T, p.Ala557Val (NM_053027.4); short protein forms A381V, A557V, A488V.
Identifiers: ClinVar variation 1777677 (VCV001777677.8), dbSNP rs1467105855, ClinGen allele CA354235481.
Genomic context (GRCh38, chr3:123,722,262, plus strand): 5'-TCCTCCGGCAGGGCATCCTGGATGTGGAGCTCAGCCACGCCGGCCTCGCAGGTGGAGCGA[G>A]CGTACTGGATGGGCTGCCCTGTGGAGGAAGCACAGGAAGGCTCAGGCCAGGCAGCACTGG-3'
Protein context (NP_444253.3, residues 547-567): WLLNGQPIQY[Ala557Val]RSTCEAGVAE

ClinVar aggregate classification (germline): Uncertain significance. Review status: criteria provided, multiple submitters, no conflicts (2 of 4 stars). 3 submissions from 3 submitters: Uncertain significance (3). Last evaluated 2024-10-03.

Conditions:
Aortic aneurysm, familial thoracic 7 (AAT7). Also called: AORTIC DISSECTION, FAMILIAL, WITH OR WITHOUT AORTIC ANEURYSM. Identifiers: MedGen C3151077, MONDO:0013418, OMIM 613780.
Familial thoracic aortic aneurysm and aortic dissection (TAAD). Also called: Thoracic aortic aneurysms and dissections. Identifiers: Orphanet 91387, MedGen C4707243, MONDO:0019625.

Allele frequency attached by ClinVar (database versions not stated): gnomAD exomes below 0.00001; TOPMed 0.00001; gnomAD 0.00003.
gnomAD v4.1: 10 of 1,570,072 alleles (0.00064%); highest among the groups gnomAD compares: African/African-American, 0.0094%; no homozygotes.

Submissions (3):

GeneDx
Classification: Uncertain significance. Last evaluated: 2024-10-03. Review status: criteria provided, single submitter. Criteria: GeneDx Variant Classification Process June 2021. Collection method: clinical testing. Allele origin: germline. Affected: yes.
Comment: Not observed at significant frequency in large population cohorts (gnomAD); In silico analysis indicates that this missense variant does not alter protein structure/function; Has not been previously published as pathogenic or benign to our knowledge

Labcorp Genetics (formerly Invitae), Labcorp
Classification: Uncertain significance for Aortic aneurysm, familial thoracic 7. Last evaluated: 2024-07-06. Review status: criteria provided, single submitter. Criteria: Invitae Variant Classification Sherloc (09022015). Collection method: clinical testing. Allele origin: germline.
Comment: This sequence change replaces alanine, which is neutral and non-polar, with valine, which is neutral and non-polar, at codon 557 of the MYLK protein (p.Ala557Val). The frequency data for this variant in the population databases is considered unreliable, as metrics indicate poor data quality at this position in the gnomAD database. This variant has not been reported in the literature in individuals affected with MYLK-related conditions. ClinVar contains an entry for this variant (Variation ID: 1777677). Advanced modeling of protein sequence and biophysical properties (such as structural, functional, and spatial information, amino acid conservation, physicochemical variation, residue mobility, and thermodynamic stability) performed at Invitae indicates that this missense variant is not expected to disrupt MYLK protein function with a negative predictive value of 80%. In summary, the available evidence is currently insufficient to determine the role of this variant in disease. Therefore, it has been classified as a Variant of Uncertain Significance.

Ambry Genetics
Classification: Uncertain significance for Familial thoracic aortic aneurysm and aortic dissection. Last evaluated: 2022-03-07. Review status: criteria provided, single submitter. Criteria: Ambry Variant Classification Scheme 2023. Collection method: clinical testing. Allele origin: germline.
Comment: The p.A557V variant (also known as c.1670C>T), located in coding exon 10 of the MYLK gene, results from a C to T substitution at nucleotide position 1670. The alanine at codon 557 is replaced by valine, an amino acid with similar properties. This amino acid position is conserved. In addition, this alteration is predicted to be tolerated by in silico analysis. Since supporting evidence is limited at this time, the clinical significance of this alteration remains unclear.